The following is an entry in ClinVar:

ClinVar aggregate classification (germline): Pathogenic/Likely pathogenic. Review status: criteria provided, multiple submitters, no conflicts (2 of 4 stars). 2 submissions from 2 submitters: Pathogenic (1); Likely pathogenic (1). Last evaluated 2026-02-23.

Conditions:
Alstrom syndrome (ALMS). Identifiers: Orphanet 64, MedGen C0268425, MONDO:0008763, OMIM 203800.

gnomAD v4.1: 1 of 1,606,676 alleles (0.000062%); highest among the groups gnomAD compares: Non-Finnish European, 0.000085%; no homozygotes.

Submissions (2):

Dasa
Classification: Pathogenic. Last evaluated: 2026-02-23. Review status: criteria provided, single submitter. Criteria: DASA Assertion Criteria. Collection method: clinical testing. Allele origin: germline.
Comment: NM_001378454.1(ALMS1):c.647-2A>G introduces a premature termination codon predicted to result in loss of normal protein function. Loss-of-function is an established mechanism of disease for this gene. This variant results in the same amino acid change as a previously established pathogenic variant. This variant has been reported in individuals with related phenotype (PMID: 38378129). The variant is present at low frequency in population datasets. Based on the available data, this variant is classified as pathogenic.

Labcorp Genetics (formerly Invitae), Labcorp
Classification: Likely pathogenic for Alstrom syndrome. Last evaluated: 2025-12-29. Review status: criteria provided, single submitter. Criteria: Invitae Variant Classification Sherloc (09022015). Collection method: clinical testing. Allele origin: germline.
Comment: This sequence change affects an acceptor splice site in intron 3 of the ALMS1 gene. It is expected to disrupt RNA splicing. Variants that disrupt the donor or acceptor splice site typically lead to a loss of protein function (PMID: 16199547), and loss-of-function variants in ALMS1 are known to be pathogenic (PMID: 17594715). This variant is not present in population databases (gnomAD no frequency). This variant has not been reported in the literature in individuals affected with ALMS1-related conditions. Algorithms developed to predict the effect of sequence changes on RNA splicing suggest that this variant may disrupt the consensus splice site. In summary, the currently available evidence indicates that the variant is pathogenic, but additional data are needed to prove that conclusively. Therefore, this variant has been classified as Likely Pathogenic.

Literature cited by the submitters: PubMed 38378129 (cited by Dasa); PubMed 16199547 (cited by Labcorp Genetics (formerly Invitae), Labcorp); PubMed 17594715 (cited by Labcorp Genetics (formerly Invitae), Labcorp).

NM_001378454.1(ALMS1):c.647-2A>G

Gene: ALMS1 (ALMS1 centrosome and basal body associated protein; plus strand). Cytogenetic location: 2p13.1.
Variant type: single nucleotide variant.
Coding change: c.647-2A>G on transcript NM_001378454.1 (MANE Select); the canonical splice acceptor site of the intron before coding-DNA position 647, A replaced by G.
Molecular consequence: splice acceptor variant.
Genome position (GRCh38, 1-based): chr2:73,422,855, A>G. VCF-style: chr2-73422855-A-G. GRCh37 (hg19) VCF-style: chr2-73649983-A-G.
Other names: c.647-2A>G (NM_015120.4).
Identifiers: ClinVar variation 4807739 (VCV004807739.2).
Genomic context (GRCh38, chr2:73,422,855, plus strand): 5'-TATACGTAAGTAAATAATCAATTTTCAGCATTACCCAGCATTTAATATTTGAAACTTTAC[A>G]GTCATACAAGATAGCTTTGCTTCTCCTGATTTGCCTTTGCTGACCTGTTTGACACAAGAC-3'